The following is an entry in ClinVar:

NM_004304.5(ALK):c.2758G>A (p.Gly920Ser)

Gene: ALK (ALK receptor tyrosine kinase; minus strand). Cytogenetic location: 2p23.2.
Variant type: single nucleotide variant.
Coding change: c.2758G>A on transcript NM_004304.5 (MANE Select); coding-DNA position 2758, G replaced by A.
Protein change: p.Gly920Ser; replaces glycine 920 with serine.
Molecular consequence: missense variant.
Genome position (GRCh38, 1-based): chr2:29,228,941, C>T on the plus strand (G>A on the coding strand, the complement: ALK is on the minus strand). VCF-style: chr2-29228941-C-T. GRCh37 (hg19) VCF-style: chr2-29451807-C-T.
Other names: short protein forms G920S.
Identifiers: ClinVar variation 2566613 (VCV002566613.4), dbSNP rs1558627382, ClinGen allele CA346469658.

ClinVar aggregate classification (germline): Uncertain significance. Review status: criteria provided, multiple submitters, no conflicts (2 of 4 stars). 2 submissions from 2 submitters: Uncertain significance (2). Last evaluated 2024-03-02.

Conditions:
Hereditary cancer-predisposing syndrome. Also called: Neoplastic Syndromes, Hereditary; Hereditary Cancer Syndrome; Tumor predisposition; Hereditary neoplastic syndrome. Identifiers: Orphanet 140162, MedGen C0027672, MeSH D009386, MONDO:0015356.
Neuroblastoma, susceptibility to, 3. Also called: ALK-Related Neuroblastic Tumor Susceptibility. Identifiers: Orphanet 635, MedGen C2751681, MONDO:0013083, OMIM 613014.

Submissions (2):

Labcorp Genetics (formerly Invitae), Labcorp
Classification: Uncertain significance for Neuroblastoma, susceptibility to, 3. Last evaluated: 2024-03-02. Review status: criteria provided, single submitter. Criteria: Invitae Variant Classification Sherloc (09022015). Collection method: clinical testing. Allele origin: germline.
Comment: This sequence change replaces glycine, which is neutral and non-polar, with serine, which is neutral and polar, at codon 920 of the ALK protein (p.Gly920Ser). This variant is not present in population databases (gnomAD no frequency). This variant has not been reported in the literature in individuals affected with ALK-related conditions. ClinVar contains an entry for this variant (Variation ID: 2566613). An algorithm developed to predict the effect of missense changes on protein structure and function (PolyPhen-2) suggests that this variant is likely to be disruptive. In summary, the available evidence is currently insufficient to determine the role of this variant in disease. Therefore, it has been classified as a Variant of Uncertain Significance.

Ambry Genetics
Classification: Uncertain significance for Hereditary cancer-predisposing syndrome. Last evaluated: 2023-06-11. Review status: criteria provided, single submitter. Criteria: Ambry Variant Classification Scheme 2023. Collection method: clinical testing. Allele origin: germline.
Comment: The p.G920S variant (also known as c.2758G>A), located in coding exon 16 of the ALK gene, results from a G to A substitution at nucleotide position 2758. The glycine at codon 920 is replaced by serine, an amino acid with similar properties. This amino acid position is conserved. In addition, the in silico prediction for this alteration is inconclusive. Since supporting evidence is limited at this time, the clinical significance of this alteration remains unclear.